The following is an entry in ClinVar:

ClinVar aggregate classification (germline): Uncertain significance. Review status: criteria provided, multiple submitters, no conflicts (2 of 4 stars). 2 submissions from 2 submitters: Uncertain significance (2). Last evaluated 2022-11-27.

Conditions:
Spermatogenic failure 18. Identifiers: MedGen C4539783, MONDO:0054615, OMIM 617576.
Ciliary dyskinesia, primary, 37 (CILD37). Also called: CILIARY DYSKINESIA, PRIMARY, 37, WITH OR WITHOUT SITUS INVERSUS. Identifiers: MedGen C4539798, MONDO:0033204, OMIM 617577.

Allele frequency attached by ClinVar (database versions not stated): ExAC 0.00001; gnomAD 0.00001; gnomAD exomes 0.00002.
gnomAD v4.1: 36 of 1,613,922 alleles (0.0022%); highest among the groups gnomAD compares: African/African-American, 0.0067%; no homozygotes.

Submissions (2):

GeneDx
Classification: Uncertain significance. Last evaluated: 2022-11-27. Review status: criteria provided, single submitter. Criteria: GeneDx Variant Classification Process June 2021. Collection method: clinical testing. Allele origin: germline. Affected: yes.
Comment: In silico analysis supports that this missense variant has a deleterious effect on protein structure/function; Not observed at significant frequency in large population cohorts (gnomAD); Has not been previously published as pathogenic or benign to our knowledge

Labcorp Genetics (formerly Invitae), Labcorp
Classification: Uncertain significance for Ciliary dyskinesia, primary, 37; Spermatogenic failure 18. Last evaluated: 2022-07-25. Review status: criteria provided, single submitter. Criteria: Invitae Variant Classification Sherloc (09022015). Collection method: clinical testing. Allele origin: germline.
Comment: This sequence change replaces glycine, which is neutral and non-polar, with serine, which is neutral and polar, at codon 402 of the DNAH1 protein (p.Gly402Ser). This variant is present in population databases (rs779253456, gnomAD 0.003%). This variant has not been reported in the literature in individuals affected with DNAH1-related conditions. Algorithms developed to predict the effect of missense changes on protein structure and function are either unavailable or do not agree on the potential impact of this missense change (SIFT: "Deleterious"; PolyPhen-2: "Benign"; Align-GVGD: "Class C0"). Algorithms developed to predict the effect of sequence changes on RNA splicing suggest that this variant may create or strengthen a splice site. In summary, the available evidence is currently insufficient to determine the role of this variant in disease. Therefore, it has been classified as a Variant of Uncertain Significance.

NM_015512.5(DNAH1):c.1204G>A (p.Gly402Ser)

Gene: DNAH1 (dynein axonemal heavy chain 1; plus strand). Cytogenetic location: 3p21.1.
Variant type: single nucleotide variant.
Coding change: c.1204G>A on transcript NM_015512.5 (MANE Select); coding-DNA position 1204, G replaced by A.
Protein change: p.Gly402Ser; replaces glycine 402 with serine.
Molecular consequence: missense variant.
Genome position (GRCh38, 1-based): chr3:52,332,312, G>A. VCF-style: chr3-52332312-G-A. GRCh37 (hg19) VCF-style: chr3-52366328-G-A.
Other names: c.1204G>A (NM_015512.4); short protein forms G402S.
Identifiers: ClinVar variation 2184785 (VCV002184785.2), dbSNP rs779253456, ClinGen allele CA2432900.
Genomic context (GRCh38, chr3:52,332,312, plus strand): 5'-CGCAAGAACACGGAAGCACTGCTGCTCTACAACTTGTATGTGGACTGCATGCCCTCTGAC[G>A]GCCAGCATGTCATCAGTGAACAGAGCCTGAGCAAGATCAAGCAGTGGGCCCTGAGCACGC-3'
Protein context (NP_056327.4, residues 392-412): NLYVDCMPSD[Gly402Ser]QHVISEQSLS